The following is an entry in ClinVar:

ClinVar aggregate classification (germline): Uncertain significance (1 of 4 stars; one submission).

Conditions:
Ataxia-telangiectasia syndrome (AT). Also called: LOUIS-BAR SYNDROME; Cerebello-oculocutaneous telangiectasia; Immunodeficiency with ataxia telangiectasia; Ataxia telangiectasia (A-T); Ataxia-telangiectasia, complementation group D; AT, COMPLEMENTATION GROUP C. Identifiers: Orphanet 100, MedGen C0004135, MONDO:0008840, OMIM 208900.

Submission:

Labcorp Genetics (formerly Invitae), Labcorp
Classification: Uncertain significance for Ataxia-telangiectasia syndrome. Last evaluated: 2023-04-07. Review status: criteria provided, single submitter. Criteria: Invitae Variant Classification Sherloc (09022015). Collection method: clinical testing. Allele origin: germline.
Comment: This variant is not present in population databases (gnomAD no frequency). This sequence change replaces tyrosine, which is neutral and polar, with serine, which is neutral and polar, at codon 2521 of the ATM protein (p.Tyr2521Ser). This variant has not been reported in the literature in individuals affected with ATM-related conditions. An algorithm developed to predict the effect of missense changes on protein structure and function (PolyPhen-2) suggests that this variant is likely to be disruptive. In summary, the available evidence is currently insufficient to determine the role of this variant in disease. Therefore, it has been classified as a Variant of Uncertain Significance.

NM_000051.4(ATM):c.7562A>C (p.Tyr2521Ser)

Genes: ATM (ATM serine/threonine kinase; plus strand), C11orf65 (chromosome 11 open reading frame 65; minus strand). Cytogenetic location: 11q22.3.
Variant type: single nucleotide variant.
Coding change: c.7562A>C on transcript NM_000051.4 (MANE Select); coding-DNA position 7562, A replaced by C.
Protein change: p.Tyr2521Ser; replaces tyrosine 2521 with serine.
Molecular consequence: missense variant. On other transcripts: non-coding transcript variant (1), intron variant (2).
Genome position (GRCh38, 1-based): chr11:108,331,490, A>C. VCF-style: chr11-108331490-A-C. GRCh37 (hg19) VCF-style: chr11-108202217-A-C.
Other names: c.7562A>C, p.Tyr2521Ser (NM_001351834.2); c.641-22419T>G (NM_001330368.2); c.*38+3730T>G (NM_001351110.2); short protein forms Y2521S.
Identifiers: ClinVar variation 2853094 (VCV002853094.3), dbSNP rs876660422, ClinGen allele CA382560732.